The following is an entry in ClinVar:

NM_000282.4(PCCA):c.183+1G>A

Gene: PCCA (propionyl-CoA carboxylase subunit alpha; plus strand). Cytogenetic location: 13q32.3.
Variant type: single nucleotide variant.
Coding change: c.183+1G>A on transcript NM_000282.4 (MANE Select); the canonical splice donor site of the intron after coding-DNA position 183, G replaced by A.
Molecular consequence: splice donor variant. On other transcripts: intron variant (3).
Genome position (GRCh38, 1-based): chr13:100,102,961, G>A. VCF-style: chr13-100102961-G-A. GRCh37 (hg19) VCF-style: chr13-100755215-G-A.
Other names: c.183+1G>A (NM_001178004.2, NM_001352605.2, NM_001352606.2 and 2 more transcripts); c.-684+1G>A (NM_001352610.2, NM_001352611.2, NM_001352612.2); c.106-8880G>A (NM_001127692.3, NM_001352607.2, NM_001352608.2).
Identifiers: ClinVar variation 1066791 (VCV001066791.11), dbSNP rs757540625, ClinGen allele CA7033109.
Genomic context (GRCh38, chr13:100,102,961, plus strand): 5'-AGACAGTGCTTAATGGTGTCCCGTAATCTTGGTTCAGTGGGATATGATCCTAATGAAAAA[G>A]TAAGTATTTAAAAGATATTCTCAACAACTAAATTAAACTTATCATGGTTTTACTTTCTCG-3'

ClinVar aggregate classification (germline): Pathogenic/Likely pathogenic. Review status: criteria provided, multiple submitters, no conflicts (2 of 4 stars). 5 submissions from 5 submitters: Pathogenic (1); Likely pathogenic (4). Last evaluated 2026-01-21.

Conditions:
Propionic acidemia (PROP). Also called: KETOTIC HYPERGLYCINEMIA; GLYCINEMIA, KETOTIC; HYPERGLYCINEMIA WITH KETOACIDOSIS AND LEUKOPENIA. Identifiers: Orphanet 35, MedGen C0268579, MONDO:0011628, OMIM 606054, HP:0003571.

Allele frequency attached by ClinVar (database versions not stated): gnomAD exomes below 0.00001 and 0.00001; TOPMed below 0.00001; ExAC 0.00001.
gnomAD v4.1: 3 of 1,573,650 alleles (0.00019%); highest among the groups gnomAD compares: Non-Finnish European, 0.00026%; no homozygotes.

Submissions (5):

Natera, Inc.
Classification: Likely pathogenic for Propionic acidemia. Last evaluated: 2026-01-21. Review status: criteria provided, single submitter. Criteria: Natera Variant Classification Schema (03/2026). Collection method: clinical testing. Allele origin: germline.
Comment: The c.183+1G>A variant in PCCA is a canonical splice donor site variant predicted to affect pre-mRNA splicing, which may result in an abnormal transcript and altered protein product. This variant may result in a truncated or dysfunctional protein product. This variant is rare in the general population with a frequency below the threshold expected for the associated phenotype(s). This variant has been observed in one or more individuals affected with the associated recessive disease, as either homozygous or compound heterozygous with a second variant (PMID: 40727219). Given the available evidence, this variant is classified as Likely Pathogenic.

Fulgent Genetics
Classification: Likely pathogenic for Propionic acidemia. Last evaluated: 2024-04-25. Review status: criteria provided, single submitter. Criteria: ACMG Guidelines, 2015. Collection method: clinical testing. Allele origin: germline.

Labcorp Genetics (formerly Invitae), Labcorp
Classification: Likely pathogenic for Propionic acidemia. Last evaluated: 2024-02-14. Review status: criteria provided, single submitter. Criteria: Invitae Variant Classification Sherloc (09022015). Collection method: clinical testing. Allele origin: germline.
Comment: This sequence change affects a donor splice site in intron 2 of the PCCA gene. It is expected to disrupt RNA splicing. Variants that disrupt the donor or acceptor splice site typically lead to a loss of protein function (PMID: 16199547), and loss-of-function variants in PCCA are known to be pathogenic (PMID: 15464417). This variant is present in population databases (rs757540625, gnomAD 0.002%). This variant has not been reported in the literature in individuals affected with PCCA-related conditions. ClinVar contains an entry for this variant (Variation ID: 1066791). Algorithms developed to predict the effect of sequence changes on RNA splicing suggest that this variant may disrupt the consensus splice site. In summary, the currently available evidence indicates that the variant is pathogenic, but additional data are needed to prove that conclusively. Therefore, this variant has been classified as Likely Pathogenic.

3billion
Classification: Pathogenic for Propionic acidemia. Last evaluated: 2023-08-25. Review status: criteria provided, single submitter. Criteria: ACMG Guidelines, 2015. Collection method: clinical testing. Allele origin: germline. Affected: yes.
Comment: The variant is observed at an extremely low frequency in the gnomAD v2.1.1 dataset (total allele frequency: 0.001%). Predicted Consequence/Location: Canonical splice site: predicted to alter splicing and result in a loss or disruption of normal protein function. Multiple pathogenic loss-of-function variants are reported downstream of the variant. The variant has been reported to be associated with PCCA related disorder (ClinVar ID: VCV001066791). Therefore, this variant is classified as Pathogenic according to the recommendation of ACMG/AMP guideline.

Baylor Genetics
Classification: Likely pathogenic for Propionic acidemia. Last evaluated: 2023-08-22. Review status: criteria provided, single submitter. Criteria: ACMG Guidelines, 2015. Collection method: clinical testing. Allele origin: unknown.

Literature cited by the submitters: PubMed 40727219 (cited by Natera, Inc.); PubMed 16199547 (cited by Labcorp Genetics (formerly Invitae), Labcorp); PubMed 15464417 (cited by Labcorp Genetics (formerly Invitae), Labcorp).